The following is an entry in ClinVar:

NM_007194.4(CHEK2):c.844C>A (p.His282Asn)

Gene: CHEK2 (checkpoint kinase 2; minus strand). Cytogenetic location: 22q12.1.
Variant type: single nucleotide variant.
Coding change: c.844C>A on transcript NM_007194.4 (MANE Select); coding-DNA position 844, C replaced by A.
Protein change: p.His282Asn; replaces histidine 282 with asparagine.
Molecular consequence: missense variant.
Genome position (GRCh38, 1-based): chr22:28,710,008, G>T on the plus strand (C>A on the coding strand, the complement: CHEK2 is on the minus strand). VCF-style: chr22-28710008-G-T. GRCh37 (hg19) VCF-style: chr22-29105996-G-T.
Other names: c.973C>A, p.His325Asn (NM_001005735.3); c.181C>A, p.His61Asn (NM_001257387.3); c.643C>A, p.His215Asn (NM_001349956.3); c.844C>A, p.His282Asn (NM_145862.3); short protein forms H215N, H282N, H325N, H61N.
Identifiers: ClinVar variation 843384 (VCV000843384.12), dbSNP rs774068238, ClinGen allele CA411102271.

ClinVar aggregate classification (germline): Uncertain significance (1 of 4 stars; one submission).

Conditions:
Familial cancer of breast. Also called: hereditary breast carcinoma; BREAST CANCER, FAMILIAL; Hereditary breast cancer. Identifiers: Orphanet 227535, MedGen C0346153, MONDO:0016419, OMIM 114480. Disease mechanism: loss of function.

Submission:

Labcorp Genetics (formerly Invitae), Labcorp
Classification: Uncertain significance for Familial cancer of breast. Last evaluated: 2024-09-30. Review status: criteria provided, single submitter. Criteria: Invitae Variant Classification Sherloc (09022015). Collection method: clinical testing. Allele origin: germline.
Comment: This sequence change replaces histidine, which is basic and polar, with asparagine, which is neutral and polar, at codon 282 of the CHEK2 protein (p.His282Asn). This variant is not present in population databases (gnomAD no frequency). This variant has not been reported in the literature in individuals affected with CHEK2-related conditions. ClinVar contains an entry for this variant (Variation ID: 843384). An algorithm developed to predict the effect of missense changes on protein structure and function (PolyPhen-2) suggests that this variant is likely to be disruptive. In summary, the available evidence is currently insufficient to determine the role of this variant in disease. Therefore, it has been classified as a Variant of Uncertain Significance.